The following is an entry in ClinVar:

ClinVar aggregate classification (germline): Uncertain significance. Review status: criteria provided, multiple submitters, no conflicts (2 of 4 stars). 4 submissions from 4 submitters: Uncertain significance (4). Last evaluated 2024-06-05.

Conditions:
Colorectal cancer. Also called: Colorectal cancer, somatic; Malignant Colorectal Neoplasm. Identifiers: MedGen C0346629, MONDO:0005575, OMIM 114500.
Hereditary cancer-predisposing syndrome. Also called: Tumor predisposition; Hereditary neoplastic syndrome; Neoplastic Syndromes, Hereditary; Hereditary Cancer Syndrome. Identifiers: Orphanet 140162, MedGen C0027672, MeSH D009386, MONDO:0015356.
Oligodontia-cancer predisposition syndrome. Also called: TOOTH AGENESIS-COLORECTAL CANCER SYNDROME. Identifiers: Orphanet 300576, MedGen C1837750, MONDO:0012075, OMIM 608615. Disease mechanism: loss of function.

Submissions (4):

Ambry Genetics
Classification: Uncertain significance for Hereditary cancer-predisposing syndrome. Last evaluated: 2024-06-05. Review status: criteria provided, single submitter. Criteria: Ambry Variant Classification Scheme 2023. Collection method: clinical testing. Allele origin: germline.
Comment: The p.D440E variant (also known as c.1320C>G), located in coding exon 5 of the AXIN2 gene, results from a C to G substitution at nucleotide position 1320. The aspartic acid at codon 440 is replaced by glutamic acid, an amino acid with highly similar properties. This amino acid position is highly conserved in available vertebrate species. In addition, the in silico prediction for this alteration is inconclusive. Based on the available evidence, the clinical significance of this variant remains unclear.

Baylor Genetics
Classification: Uncertain significance for Colorectal cancer. Last evaluated: 2023-12-21. Review status: criteria provided, single submitter. Criteria: ACMG Guidelines, 2015. Collection method: clinical testing. Allele origin: unknown.

GeneDx
Classification: Uncertain significance. Last evaluated: 2023-07-06. Review status: criteria provided, single submitter. Criteria: GeneDx Variant Classification Process June 2021. Collection method: clinical testing. Allele origin: germline. Affected: yes.
Comment: Not observed at significant frequency in large population cohorts (gnomAD); In silico analysis supports that this missense variant has a deleterious effect on protein structure/function; Has not been previously published as pathogenic or benign to our knowledge

Labcorp Genetics (formerly Invitae), Labcorp
Classification: Uncertain significance for Oligodontia-cancer predisposition syndrome. Last evaluated: 2021-12-11. Review status: criteria provided, single submitter. Criteria: Invitae Variant Classification Sherloc (09022015). Collection method: clinical testing. Allele origin: germline.
Comment: In summary, the available evidence is currently insufficient to determine the role of this variant in disease. Therefore, it has been classified as a Variant of Uncertain Significance. Algorithms developed to predict the effect of missense changes on protein structure and function (SIFT, PolyPhen-2, Align-GVGD) all suggest that this variant is likely to be disruptive. This variant has not been reported in the literature in individuals affected with AXIN2-related conditions. This variant is not present in population databases (gnomAD no frequency). This sequence change replaces aspartic acid, which is acidic and polar, with glutamic acid, which is acidic and polar, at codon 440 of the AXIN2 protein (p.Asp440Glu).

NM_004655.4(AXIN2):c.1320C>G (p.Asp440Glu)

Gene: AXIN2 (axin 2; minus strand). Cytogenetic location: 17q24.1.
Variant type: single nucleotide variant.
Coding change: c.1320C>G on transcript NM_004655.4 (MANE Select); coding-DNA position 1320, C replaced by G.
Protein change: p.Asp440Glu; replaces aspartic acid 440 with glutamic acid.
Molecular consequence: missense variant.
Genome position (GRCh38, 1-based): chr17:65,537,716, G>C on the plus strand (C>G on the coding strand, the complement: AXIN2 is on the minus strand). VCF-style: chr17-65537716-G-C. GRCh37 (hg19) VCF-style: chr17-63533834-G-C.
Other names: c.1320C>G, p.Asp440Glu (NM_001363813.1); short protein forms D440E.
Identifiers: ClinVar variation 1359747 (VCV001359747.11), dbSNP rs376935084, ClinGen allele CA400677737.